The following is an entry in ClinVar:

NM_001363.5(DKC1):c.1339-5C>T

Gene: DKC1 (dyskerin pseudouridine synthase 1; plus strand). Cytogenetic location: Xq28.
Variant type: single nucleotide variant.
Coding change: c.1339-5C>T on transcript NM_001363.5 (MANE Select); 5 bases into the intron before coding-DNA position 1339, C replaced by T.
Molecular consequence: intron variant.
Genome position (GRCh38, 1-based): chrX:154,776,182, C>T. VCF-style: chrX-154776182-C-T. GRCh37 (hg19) VCF-style: chrX-154004457-C-T.
Other names: c.*565-5C>T (NM_001288747.2); c.1324-5C>T (NM_001142463.3).
Identifiers: ClinVar variation 700168 (VCV000700168.11), dbSNP rs781901933, ClinGen allele CA10567264.

ClinVar aggregate classification (germline): Likely benign. Review status: criteria provided, multiple submitters, no conflicts (2 of 4 stars). 2 submissions from 2 submitters: Likely benign (2). Last evaluated 2025-09-10.

Conditions:
Dyskeratosis congenita. Identifiers: Orphanet 1775, MedGen C0265965, MONDO:0015780.

Allele frequency attached by ClinVar (database versions not stated): gnomAD 0.00004 and 0.00005; ExAC 0.00006; gnomAD exomes 0.00006 and 0.00008; TOPMed 0.00006.
gnomAD v4.1: 85 of 1,210,580 alleles (0.007%); highest among the groups gnomAD compares: Non-Finnish European, 0.0094%; no homozygotes.

Submissions (2):

Labcorp Genetics (formerly Invitae), Labcorp
Classification: Likely benign for Dyskeratosis congenita. Last evaluated: 2025-09-10. Review status: criteria provided, single submitter. Criteria: Invitae Variant Classification Sherloc (09022015). Collection method: clinical testing. Allele origin: germline.

GeneDx
Classification: Likely benign. Last evaluated: 2019-04-19. Review status: criteria provided, single submitter. Criteria: GeneDx Variant Classification Process June 2021. Collection method: clinical testing. Allele origin: germline. Affected: yes.
Comment: In silico analysis, which includes splice predictors and evolutionary conservation, supports that this variant does not alter protein structure/function; Nucleotide substitution has no predicted effect on splicing and is not conserved across species; Has not been previously published as pathogenic or benign to our knowledge